The following is an entry in ClinVar:

NM_005751.5(AKAP9):c.3934A>G (p.Thr1312Ala)

Gene: AKAP9 (A-kinase anchoring protein 9; plus strand). Cytogenetic location: 7q21.2.
Variant type: single nucleotide variant.
Coding change: c.3934A>G on transcript NM_005751.5 (MANE Select); coding-DNA position 3934, A replaced by G.
Protein change: p.Thr1312Ala; replaces threonine 1312 with alanine.
Molecular consequence: missense variant.
Genome position (GRCh38, 1-based): chr7:92,022,334, A>G. VCF-style: chr7-92022334-A-G. GRCh37 (hg19) VCF-style: chr7-91651648-A-G.
Other names: c.3934A>G, p.Thr1312Ala (NM_147185.3); short protein forms T1312A.
Identifiers: ClinVar variation 2626275 (VCV002626275.3), dbSNP rs139337441, ClinGen allele CA368127587.

ClinVar aggregate classification (germline): Uncertain significance. Review status: criteria provided, multiple submitters, no conflicts (2 of 4 stars). 2 submissions from 2 submitters: Uncertain significance (2). Last evaluated 2024-05-14.

Conditions:
Long QT syndrome (LQTS). Identifiers: MedGen C0023976, MeSH D008133, MONDO:0002442. Disease mechanism: loss of function. Inheritance: Various modes of inheritance.
Cardiovascular phenotype. Identifiers: MedGen CN230736.

gnomAD v4.1: 1 of 1,608,654 alleles (0.000062%); highest among the groups gnomAD compares: Non-Finnish European, 0.000085%; no homozygotes.

Submissions (2):

Labcorp Genetics (formerly Invitae), Labcorp
Classification: Uncertain significance for Long QT syndrome. Last evaluated: 2024-05-14. Review status: criteria provided, single submitter. Criteria: Invitae Variant Classification Sherloc (09022015). Collection method: clinical testing. Allele origin: germline.
Comment: This sequence change replaces threonine, which is neutral and polar, with alanine, which is neutral and non-polar, at codon 1312 of the AKAP9 protein (p.Thr1312Ala). This variant is not present in population databases (gnomAD no frequency). This variant has not been reported in the literature in individuals affected with AKAP9-related conditions. ClinVar contains an entry for this variant (Variation ID: 2626275). Algorithms developed to predict the effect of missense changes on protein structure and function output the following: SIFT: "Not Available"; PolyPhen-2: "Benign"; Align-GVGD: "Not Available". The alanine amino acid residue is found in multiple mammalian species, which suggests that this missense change does not adversely affect protein function. In summary, the available evidence is currently insufficient to determine the role of this variant in disease. Therefore, it has been classified as a Variant of Uncertain Significance.

Ambry Genetics
Classification: Uncertain significance for Cardiovascular phenotype. Last evaluated: 2023-06-17. Review status: criteria provided, single submitter. Criteria: Ambry Variant Classification Scheme 2023. Collection method: clinical testing. Allele origin: germline.
Comment: The p.T1312A variant (also known as c.3934A>G), located in coding exon 13 of the AKAP9 gene, results from an A to G substitution at nucleotide position 3934. The threonine at codon 1312 is replaced by alanine, an amino acid with similar properties. This amino acid position is conserved. In addition, this alteration is predicted to be tolerated by in silico analysis. Since supporting evidence is limited at this time, the clinical significance of this alteration remains unclear.